The following is an entry in ClinVar:

ClinVar aggregate classification (germline): Benign/Likely benign. Review status: criteria provided, multiple submitters, no conflicts (2 of 4 stars). 3 submissions from 3 submitters: Benign (1); Likely benign (2). Last evaluated 2025-02-17.

Conditions:
Hemochromatosis type 4 (HFE4). Also called: HEMOCHROMATOSIS DUE TO DEFECT IN FERROPORTIN; HEMOCHROMATOSIS, AUTOSOMAL DOMINANT; Ferroportin disease. Identifiers: Orphanet 139491, Orphanet 647834, Orphanet 648562, MedGen C1853733, MONDO:0011631, OMIM 606069.

Allele frequency attached by ClinVar (database versions not stated): TOPMed 0.00001; ExAC 0.00005.
gnomAD v4.1: 27 of 1,614,036 alleles (0.0017%); highest among the groups gnomAD compares: Middle Eastern, 0.033%; no homozygotes.

Submissions (3):

Labcorp Genetics (formerly Invitae), Labcorp
Classification: Likely benign for Hemochromatosis type 4. Last evaluated: 2025-02-17. Review status: criteria provided, single submitter. Criteria: Invitae Variant Classification Sherloc (09022015). Collection method: clinical testing. Allele origin: germline.

Blueprint Genetics
Classification: Likely benign. Last evaluated: 2019-08-13. Review status: criteria provided, single submitter. Criteria: ACMG Guidelines, 2015. Collection method: clinical testing. Allele origin: germline.

Illumina Laboratory Services, Illumina
Classification: Benign for Hemochromatosis type 4. Last evaluated: 2018-01-13. Review status: criteria provided, single submitter. Criteria: ICSL Variant Classification Criteria 13 December 2019. Collection method: clinical testing. Allele origin: germline.
Comment: This variant was observed in the ICSL laboratory as part of a predisposition screen in an ostensibly healthy population. It had not been previously curated by ICSL or reported in the Human Gene Mutation Database (HGMD: prior to June 1st, 2018), and was therefore a candidate for classification through an automated scoring system. Utilizing variant allele frequency, disease prevalence and penetrance estimates, and inheritance mode, an automated score was calculated to assess if this variant is too frequent to cause the disease. Based on the score and internal cut-off values, a variant classified as benign is not then subjected to further curation. The score for this variant resulted in a classification of benign for this disease.

NM_014585.6(SLC40A1):c.1569C>T (p.Leu523=)

Gene: SLC40A1 (solute carrier family 40 member 1; minus strand). Cytogenetic location: 2q32.2.
Variant type: single nucleotide variant.
Coding change: c.1569C>T on transcript NM_014585.6 (MANE Select); coding-DNA position 1569, C replaced by T.
Protein change: p.Leu523=; no amino-acid change (leucine 523 retained).
Molecular consequence: synonymous variant.
Genome position (GRCh38, 1-based): chr2:189,562,025, G>A on the plus strand (C>T on the coding strand, the complement: SLC40A1 is on the minus strand). VCF-style: chr2-189562025-G-A. GRCh37 (hg19) VCF-style: chr2-190426751-G-A.
Identifiers: ClinVar variation 333163 (VCV000333163.14), dbSNP rs770129909, ClinGen allele CA2024048.